The following is an entry in ClinVar:

NM_017755.6(NSUN2):c.842T>C (p.Ile281Thr)

Gene: NSUN2 (NOP2/Sun RNA methyltransferase 2; minus strand). Cytogenetic location: 5p15.31.
Variant type: single nucleotide variant.
Coding change: c.842T>C on transcript NM_017755.6 (MANE Select); coding-DNA position 842, T replaced by C.
Protein change: p.Ile281Thr; replaces isoleucine 281 with threonine.
Molecular consequence: missense variant. On other transcripts: non-coding transcript variant (1).
Genome position (GRCh38, 1-based): chr5:6,617,998, A>G on the plus strand (T>C on the coding strand, the complement: NSUN2 is on the minus strand). VCF-style: chr5-6617998-A-G. GRCh37 (hg19) VCF-style: chr5-6618111-A-G.
Other names: c.737T>C, p.Ile246Thr (NM_001193455.2); short protein forms I281T, I246T.
Identifiers: ClinVar variation 1763355 (VCV001763355.4), dbSNP rs768896399, ClinGen allele CA3192650.
Genomic context (GRCh38, chr5:6,617,998, plus strand): 5'-AGTTTTACTTACCCATGTAGCTGCAAGCTATTTAAGGTGGTCCACTTTTTCCAAACATCA[A>G]TGTTTTTTCTCATAGTGCCGTCTCCACTGGAAAAAAGATATTTATGAGTGCAAAGCTCCC-3'
Protein context (NP_060225.4, residues 271-291): CSGDGTMRKN[Ile281Thr]DVWKKWTTLN

ClinVar aggregate classification (germline): Uncertain significance. Review status: criteria provided, multiple submitters, no conflicts (2 of 4 stars). 2 submissions from 2 submitters: Uncertain significance (2). Last evaluated 2022-12-02.

Conditions:
Inborn genetic diseases. Identifiers: MedGen C0950123, MeSH D030342.

Allele frequency attached by ClinVar (database versions not stated): gnomAD 0.00002; TOPMed 0.00002; gnomAD exomes 0.00003; ExAC 0.00004.
gnomAD v4.1: 42 of 1,613,652 alleles (0.0026%); highest among the groups gnomAD compares: African/African-American, 0.004%; no homozygotes.

Submissions (2):

Ambry Genetics
Classification: Uncertain significance for Inborn genetic diseases. Last evaluated: 2022-12-02. Review status: criteria provided, single submitter. Criteria: Ambry Variant Classification Scheme 2023. Collection method: clinical testing. Allele origin: germline.

Labcorp Genetics (formerly Invitae), Labcorp
Classification: Uncertain significance. Last evaluated: 2022-05-04. Review status: criteria provided, single submitter. Criteria: Invitae Variant Classification Sherloc (09022015). Collection method: clinical testing. Allele origin: germline.
Comment: This sequence change replaces isoleucine, which is neutral and non-polar, with threonine, which is neutral and polar, at codon 281 of the NSUN2 protein (p.Ile281Thr). This variant is present in population databases (rs768896399, gnomAD 0.006%). This variant has not been reported in the literature in individuals affected with NSUN2-related conditions. Algorithms developed to predict the effect of missense changes on protein structure and function (SIFT, PolyPhen-2, Align-GVGD) all suggest that this variant is likely to be tolerated. In summary, the available evidence is currently insufficient to determine the role of this variant in disease. Therefore, it has been classified as a Variant of Uncertain Significance.